The following is an entry in ClinVar:

NM_000441.2(SLC26A4):c.1963A>G (p.Ile655Val)

Gene: SLC26A4 (solute carrier family 26 member 4; plus strand). Cytogenetic location: 7q22.3.
Variant type: single nucleotide variant.
Coding change: c.1963A>G on transcript NM_000441.2 (MANE Select); coding-DNA position 1963, A replaced by G.
Protein change: p.Ile655Val; replaces isoleucine 655 with valine.
Molecular consequence: missense variant.
Genome position (GRCh38, 1-based): chr7:107,701,986, A>G. VCF-style: chr7-107701986-A-G. GRCh37 (hg19) VCF-style: chr7-107342431-A-G.
Other names: short protein forms I655V.
Identifiers: ClinVar variation 43528 (VCV000043528.43), dbSNP rs397516424, ClinGen allele CA261421.

ClinVar aggregate classification (germline): Likely pathogenic. Review status: reviewed by expert panel (3 of 4 stars). 13 submissions from 13 submitters: Likely pathogenic (1). 12 of the submissions do not count toward it. Last evaluated 2023-08-27.

Conditions:
Rare genetic deafness. Identifiers: Orphanet 96210, MedGen C5680250.
Deafness. Identifiers: MedGen C0011053.
SLC26A4-related disorder. Also called: SLC26A4-related condition; SLC26A4-related disorders.
Autosomal recessive nonsyndromic hearing loss 4 (DFNB4). Also called: FOXI1-Related Pendred Syndrome; KCNJ10-Related Pendred Syndrome; DEAFNESS, AUTOSOMAL RECESSIVE 4, WITH ENLARGED VESTIBULAR AQUEDUCT, DIGENIC; Deafness, autosomal recessive 4; Nonsyndromic enlarged vestibular aqueduct (NSEVA); NEUROSENSORY NONSYNDROMIC RECESSIVE DEAFNESS 4. Identifiers: Orphanet 90636, MedGen C3538946, MONDO:0010933, OMIM 600791.
Pendred syndrome (PDS). Also called: Pendred's syndrome; DEAFNESS WITH GOITER; GOITER-DEAFNESS SYNDROME; HYPOTHYROIDISM, CONGENITAL, DUE TO DYSHORMONOGENESIS, 2B; THYROID DYSHORMONOGENESIS 2B; THYROID HORMONOGENESIS, GENETIC DEFECT IN, 2B. Identifiers: Orphanet 705, MedGen C0271829, MONDO:0010134, OMIM 274600.

Allele frequency attached by ClinVar (database versions not stated): gnomAD 0.00001; gnomAD exomes 0.00002 and 0.00003; TOPMed 0.00002; ExAC 0.00003.
gnomAD v4.1: 29 of 1,613,978 alleles (0.0018%); highest among the groups gnomAD compares: Middle Eastern, 0.016%; no homozygotes.

Submissions (13):

ClinGen Hearing Loss Variant Curation Expert Panel
Classification: Likely pathogenic for Pendred syndrome. Last evaluated: 2023-08-27. Review status: reviewed by expert panel. Criteria: Clingen Hl Acmg Specifications Cdh23 Coch Gjb2 Kcnq4 Myo6 Myo7a Slc26a4 Tecta Ush2a V2. Collection method: curation. Allele origin: germline. Inheritance: Autosomal recessive inheritance.
Comment: The c.1963A>G variant in SLC26A4 is a missense variant predicted to cause substitution of isoleucine by valine at amino acid 655 (p.Ile655Val). The highest population minor allele frequency in gnomAD v2.1.1 is .005% (2/34558) in the Latino population, which is lower than the ClinGen Hearing Loss VCEP threshold (<0.007) for PM2_Supporting, meeting this criterion (PM2_Supporting). This variant has been detected in 2 probands with hearing loss and enlarged vestibular aqueducts (PP4; Laboratory for Molecular Medicine internal data, PMID: 26894580). Computational prediction tools and conservation analyses do not provide strong support for or against an impact to the protein. This variant was re-reviewed on 8.22.23 and because no additional evidence is available, professional judgment was used to retain this variant as likely pathogenic for autosomal recessive Pendred syndrome. In summary, this variant is classified as likely pathogenic for autosomal recessive Pendred syndrome. ACMG/AMP Criteria applied as specified by the Hearing Loss Expert Panel 8/22/2023 (PM2_Supporting, PP4, PM3, PP1)

PreventionGenetics, part of Exact Sciences
Classification: Likely pathogenic for SLC26A4-related condition. Last evaluated: 2026-09-14. Review status: criteria provided, single submitter. Criteria: ACMG Guidelines, 2015. Collection method: clinical testing. Allele origin: germline. Not counted in ClinVar's aggregate classification.
Comment: The SLC26A4 c.1963A>G variant is predicted to result in the amino acid substitution p.Ile655Val. This variant has been reported in the homozygous state in a patient with sensorineural hearing loss (SNHL) and enlarged vestibular aqueduct (EVA) (Franzè et al. 2016. PubMed ID: 26894580). This variant is interpreted as likely pathogenic by the ClinGen Hearing Loss Variant Curation Expert Panel, in part based on two compound heterozygous siblings with SNHL and EVA reported by another laboratory (ClinVar ID: 43528). This variant is reported in 0.0058% of alleles in individuals of Latino descent in gnomAD. This variant is interpreted as likely pathogenic.

First Genomix Gene Laboratory, Genetic Diagnostics Department
Classification: Likely pathogenic for Autosomal recessive nonsyndromic hearing loss 4; Pendred syndrome. Last evaluated: 2025-08-07. Review status: criteria provided, single submitter. Criteria: ACMG Guidelines, 2015. Collection method: clinical testing. Allele origin: germline. Inheritance: Autosomal recessive inheritance. Affected: no. Observed: 1 variant allele. Not counted in ClinVar's aggregate classification.

Natera, Inc.
Classification: Likely pathogenic for Pendred syndrome. Last evaluated: 2025-07-18. Review status: criteria provided, single submitter. Criteria: Natera Variant Classification Schema (03/2026). Collection method: clinical testing. Allele origin: germline. Not counted in ClinVar's aggregate classification.
Comment: The c.1963A>G variant in SLC26A4 is a missense variant predicted to cause substitution of isoleucine to valine at amino acid 655. This variant is rare in the general population with a frequency below the threshold expected for the associated phenotype(s). This variant has been observed in one or more individuals affected with the associated recessive disease, as either homozygous or compound heterozygous with a second variant (PMID: 36703223, 37811145). Computational prediction algorithms indicate this variant is likely to affect gene or protein function. Given the available evidence, this variant is classified as Likely Pathogenic.

GeneDx
Classification: Likely pathogenic. Last evaluated: 2025-04-23. Review status: criteria provided, single submitter. Criteria: GeneDx Variant Classification Process June 2021. Collection method: clinical testing. Allele origin: germline. Not counted in ClinVar's aggregate classification.
Comment: Not observed at significant frequency in large population cohorts (gnomAD); In silico analysis indicates that this missense variant does not alter protein structure/function; This variant is associated with the following publications: (PMID: 26894580, 36703223, 37811145, 30311386)

Labcorp Genetics (formerly Invitae), Labcorp
Classification: Pathogenic. Last evaluated: 2025-03-20. Review status: criteria provided, single submitter. Criteria: Invitae Variant Classification Sherloc (09022015). Collection method: clinical testing. Allele origin: germline. Not counted in ClinVar's aggregate classification.
Comment: This sequence change replaces isoleucine, which is neutral and non-polar, with valine, which is neutral and non-polar, at codon 655 of the SLC26A4 protein (p.Ile655Val). This variant is present in population databases (rs397516424, gnomAD 0.006%). This missense change has been observed in individual(s) with Pendred syndrome (PMID: 26894580, 36703223; internal data). ClinVar contains an entry for this variant (Variation ID: 43528). Invitae Evidence Modeling of protein sequence and biophysical properties (such as structural, functional, and spatial information, amino acid conservation, physicochemical variation, residue mobility, and thermodynamic stability) has been performed for this missense variant. However, the output from this modeling did not meet the statistical confidence thresholds required to predict the impact of this variant on SLC26A4 protein function. For these reasons, this variant has been classified as Pathogenic.

Dubai Health Genomic Medicine Center, Dubai Health
Classification: Likely pathogenic for Deafness. Last evaluated: 2024-10-04. Review status: criteria provided, single submitter. Criteria: ACMG Guidelines, 2015. Collection method: research. Allele origin: germline. Affected: yes. Not counted in ClinVar's aggregate classification.
Comment: PM2, PM1, PM3, PP1

CeGaT Center for Human Genetics Tuebingen
Classification: Likely pathogenic. Last evaluated: 2024-05-01. Review status: criteria provided, single submitter. Criteria: CeGaT Center For Human Genetics Tuebingen Variant Classification Criteria Version 2. Collection method: clinical testing. Allele origin: germline. Affected: yes. Observed: 1 variant allele. Not counted in ClinVar's aggregate classification.
Comment: SLC26A4: PM3:Strong, PM2, PP4, BP4

Fulgent Genetics
Classification: Likely pathogenic for Pendred syndrome; Autosomal recessive nonsyndromic hearing loss 4. Last evaluated: 2024-04-25. Review status: criteria provided, single submitter. Criteria: ACMG Guidelines, 2015. Collection method: clinical testing. Allele origin: germline. Not counted in ClinVar's aggregate classification.

Baylor Genetics
Classification: Likely pathogenic for Autosomal recessive nonsyndromic hearing loss 4. Last evaluated: 2024-01-05. Review status: criteria provided, single submitter. Criteria: ACMG Guidelines, 2015. Collection method: clinical testing. Allele origin: unknown. Not counted in ClinVar's aggregate classification.

Laboratory for Molecular Medicine, Mass General Brigham Personalized Medicine
Classification: Likely pathogenic for Rare genetic deafness. Last evaluated: 2019-02-06. Review status: criteria provided, single submitter. Criteria: LMM Criteria. Collection method: clinical testing. Allele origin: germline. Inheritance: Autosomal recessive inheritance. Observed: 3 variant alleles. Not counted in ClinVar's aggregate classification.
Comment: proposed classification - variant undergoing re-assessment, contact laboratory

Juno Genomics, Hangzhou Juno Genomics, Inc
Classification: Uncertain significance for Autosomal recessive nonsyndromic hearing loss 4; Pendred syndrome. Review status: criteria provided, single submitter. Criteria: ACMG Guidelines, 2015. Collection method: clinical testing. Allele origin: germline. Affected: yes. Not counted in ClinVar's aggregate classification.
Comment: Absent from controls (or at extremely low frequency if recessive) in Genome Aggregation Database, Exome Sequencing Project, 1000 Genomes Project, or Exome Aggregation Consortium.;For recessive disorders, detected in trans with a pathogenic variant.;Patient's phenotype or family history is highly specific for a disease with a single genetic etiology.

Counsyl
Classification: Uncertain significance for Pendred syndrome. Last evaluated: 2018-04-19. Review status: no assertion criteria provided. Collection method: clinical testing. Allele origin: unknown. Not counted in ClinVar's aggregate classification.

Literature cited by the submitters: PubMed 36703223 (cited by Natera, Inc. and Labcorp Genetics (formerly Invitae), Labcorp); PubMed 37811145 (cited by Natera, Inc.); PubMed 26894580 (cited by 3 submitters).